The following is an entry in ClinVar:

NM_000548.5(TSC2):c.2545+157G>C

Gene: TSC2 (TSC complex subunit 2; plus strand). Cytogenetic location: 16p13.3.
Variant type: single nucleotide variant.
Coding change: c.2545+157G>C on transcript NM_000548.5 (MANE Select); 157 bases into the intron after coding-DNA position 2545, G replaced by C.
Molecular consequence: intron variant.
Genome position (GRCh38, 1-based): chr16:2,074,546, G>C. VCF-style: chr16-2074546-G-C. GRCh37 (hg19) VCF-style: chr16-2124547-G-C.
Other names: c.2545+157G>C (NM_001114382.3, NM_021055.3, NM_001370405.1 and 3 more transcripts); c.2434+157G>C (NM_001318827.2); c.1945+157G>C (NM_001318831.2); c.2398+157G>C (NM_001318829.2); c.2578+157G>C (NM_001318832.2).
Identifiers: ClinVar variation 677252 (VCV000677252.2), dbSNP rs9941195, ClinGen allele CA14309693.

ClinVar aggregate classification (germline): Benign. Review status: criteria provided, multiple submitters, no conflicts (2 of 4 stars). 2 submissions from 2 submitters: Benign (2). Last evaluated 2018-06-18.

Allele frequency attached by ClinVar (database versions not stated): gnomAD 0.05325 and 0.05744; 1000 Genomes Project 0.05571; 1000 Genomes Project 30x 0.05887; TOPMed 0.06035.
gnomAD v4.1: 12,874 of 896,286 alleles (1.4%); highest among the groups gnomAD compares: African/African-American, 18%; 1,105 homozygotes.

Submissions (2):

GeneDx
Classification: Benign. Last evaluated: 2018-06-18. Review status: criteria provided, single submitter. Criteria: GeneDx Variant Classification (06012015). Collection method: clinical testing. Allele origin: germline. Affected: yes.
Comment: This variant is considered likely benign or benign based on one or more of the following criteria: it is a conservative change, it occurs at a poorly conserved position in the protein, it is predicted to be benign by multiple in silico algorithms, and/or has population frequency not consistent with disease.

Breakthrough Genomics
Classification: Benign. Review status: criteria provided, single submitter. Criteria: ACMG Guidelines, 2015. Collection method: not provided. Allele origin: germline. Inheritance: Autosomal dominant inheritance. Affected: yes.